The following is an entry in ClinVar:

ClinVar aggregate classification (germline): Uncertain significance (1 of 4 stars; one submission).

Conditions:
Cardiovascular phenotype. Identifiers: MedGen CN230736.

gnomAD v4.1: 4 of 1,613,938 alleles (0.00025%); highest among the groups gnomAD compares: South Asian, 0.0011%; no homozygotes.

Submission:

Ambry Genetics
Classification: Uncertain significance for Cardiovascular phenotype. Last evaluated: 2023-04-28. Review status: criteria provided, single submitter. Criteria: Ambry Variant Classification Scheme 2023. Collection method: clinical testing. Allele origin: germline.
Comment: The p.P1256L variant (also known as c.3767C>T), located in coding exon 31 of the ANK2 gene, results from a C to T substitution at nucleotide position 3767. The proline at codon 1256 is replaced by leucine, an amino acid with similar properties. This amino acid position is highly conserved in available vertebrate species. In addition, this alteration is predicted to be deleterious by in silico analysis. Since supporting evidence is limited at this time, the clinical significance of this alteration remains unclear.

NM_001148.6(ANK2):c.3767C>T (p.Pro1256Leu)

Gene: ANK2 (ankyrin 2; plus strand). Cytogenetic location: 4q26.
Variant type: single nucleotide variant.
Coding change: c.3767C>T on transcript NM_001148.6 (MANE Select); coding-DNA position 3767, C replaced by T.
Protein change: p.Pro1256Leu; replaces proline 1256 with leucine.
Molecular consequence: missense variant.
Genome position (GRCh38, 1-based): chr4:113,336,752, C>T. VCF-style: chr4-113336752-C-T. GRCh37 (hg19) VCF-style: chr4-114257908-C-T.
Other names: c.3740C>T, p.Pro1247Leu (NM_001127493.3); c.3779C>T, p.Pro1260Leu (NM_001354225.2); c.3668C>T, p.Pro1223Leu (NM_001354228.2, NM_001354258.2); c.3746C>T, p.Pro1249Leu (NM_001354230.2); c.3809C>T, p.Pro1270Leu (NM_001354231.2, NM_001354242.2); c.3803C>T, p.Pro1268Leu (NM_001354232.2); c.3764C>T, p.Pro1255Leu (NM_001354235.2, NM_001354246.2, NM_001354265.2); c.3665C>T, p.Pro1222Leu (NM_001354236.2); and 31 more; short protein forms P1169L, P1211L, P1246L, P1249L, P1256L, P1268L, P439L, P1128L.
Identifiers: ClinVar variation 1734725 (VCV001734725.3), dbSNP rs764537997, ClinGen allele CA3050911.